The following is an entry in ClinVar:

NM_016239.4(MYO15A):c.8100del (p.Lys2701fs)

Gene: MYO15A (myosin XVA; plus strand). Cytogenetic location: 17p11.2.
Variant type: Deletion.
Coding change: c.8100del on transcript NM_016239.4 (MANE Select); coding-DNA position 8100, one base deleted (C; older notation c.8100delC).
Protein change: p.Lys2701fs; shifts the reading frame from lysine 2701.
Molecular consequence: frameshift variant.
Genome position (GRCh38, 1-based): chr17:18,154,142, C deleted; the last of 4 consecutive C bases (chr17:18,154,139-18,154,142); deleting any one gives the same sequence. VCF-style (leftmost placement, unchanged base first): chr17-18154138-AC-A. GRCh37 (hg19) VCF-style: chr17-18057452-AC-A.
Other names: short protein forms K2701fs.
Identifiers: ClinVar variation 45765 (VCV000045765.6), dbSNP rs397517287, ClinGen allele CA261770.

ClinVar aggregate classification (germline): Pathogenic. Review status: criteria provided, multiple submitters, no conflicts (2 of 4 stars). 2 submissions from 2 submitters: Pathogenic (2). Last evaluated 2024-05-22.

Conditions:
Rare genetic deafness. Identifiers: Orphanet 96210, MedGen C5680250.
Autosomal recessive nonsyndromic hearing loss 3. Also called: NEUROSENSORY NONSYNDROMIC RECESSIVE DEAFNESS 3. Identifiers: Orphanet 90636, MedGen C1838263, MONDO:0010860, OMIM 600316.

Submissions (2):

Fulgent Genetics
Classification: Pathogenic for Autosomal recessive nonsyndromic hearing loss 3. Last evaluated: 2024-05-22. Review status: criteria provided, single submitter. Criteria: ACMG Guidelines, 2015. Collection method: clinical testing. Allele origin: germline.

Laboratory for Molecular Medicine, Mass General Brigham Personalized Medicine
Classification: Pathogenic for Rare genetic deafness. Last evaluated: 2013-02-25. Review status: criteria provided, single submitter. Criteria: LMM Criteria. Collection method: clinical testing. Allele origin: germline. Observed: 2 variant alleles.
Comment: The Lys2701fs variant in MYO15A has not been reported in the literature nor prev iously identified by our laboratory. This frameshift variant is predicted to alt er the protein?s amino acid sequence beginning at position 2701 and lead to a pr emature termination codon 37 amino acids downstream. This alteration is then pre dicted to lead to a truncated or absent protein. In summary, this variant meets our criteria to be classified as pathogenic.